The following is an entry in ClinVar:

ClinVar aggregate classification (germline): Uncertain significance (1 of 4 stars; one submission).

gnomAD v4.1: 23 of 1,577,048 alleles (0.0015%); highest among the groups gnomAD compares: South Asian, 0.0082%; no homozygotes.

Submission:

Labcorp Genetics (formerly Invitae), Labcorp
Classification: Uncertain significance. Last evaluated: 2024-02-28. Review status: criteria provided, single submitter. Criteria: Invitae Variant Classification Sherloc (09022015). Collection method: clinical testing. Allele origin: germline.
Comment: This sequence change replaces arginine, which is basic and polar, with histidine, which is basic and polar, at codon 502 of the ACAN protein (p.Arg502His). The frequency data for this variant in the population databases is considered unreliable, as metrics indicate poor data quality at this position in the gnomAD database. This variant has not been reported in the literature in individuals affected with ACAN-related conditions. ClinVar contains an entry for this variant (Variation ID: 1911004). Advanced modeling of protein sequence and biophysical properties (such as structural, functional, and spatial information, amino acid conservation, physicochemical variation, residue mobility, and thermodynamic stability) performed at Invitae indicates that this missense variant is not expected to disrupt ACAN protein function with a negative predictive value of 80%. In summary, the available evidence is currently insufficient to determine the role of this variant in disease. Therefore, it has been classified as a Variant of Uncertain Significance.

NM_001369268.1(ACAN):c.1505G>A (p.Arg502His)

Gene: ACAN (aggrecan; plus strand). Cytogenetic location: 15q26.1.
Variant type: single nucleotide variant.
Coding change: c.1505G>A on transcript NM_001369268.1 (MANE Select); coding-DNA position 1505, G replaced by A.
Protein change: p.Arg502His; replaces arginine 502 with histidine.
Molecular consequence: missense variant.
Genome position (GRCh38, 1-based): chr15:88,847,318, G>A. VCF-style: chr15-88847318-G-A. GRCh37 (hg19) VCF-style: chr15-89390549-G-A.
Other names: c.1505G>A, p.Arg502His (NM_001135.4, NM_001411096.1, NM_001411097.1 and 1 more transcripts); short protein forms R502H.
Identifiers: ClinVar variation 1911004 (VCV001911004.5), dbSNP rs144835580, ClinGen allele CA393710652.